The following is an entry in ClinVar:

ClinVar aggregate classification (germline): Likely benign (1 of 4 stars; one submission).

gnomAD v4.1: 3 of 1,613,920 alleles (0.00019%); highest among the groups gnomAD compares: Admixed American, 0.005%; no homozygotes.

Submission:

CeGaT Center for Human Genetics Tuebingen
Classification: Likely benign. Last evaluated: 2026-01-01. Review status: criteria provided, single submitter. Criteria: CeGaT Center For Human Genetics Tuebingen Variant Classification Criteria Version 2. Collection method: clinical testing. Allele origin: germline. Affected: yes. Observed: 1 variant allele.
Comment: ZNF462: BP4, BP7

NM_021224.6(ZNF462):c.4797T>C (p.Tyr1599=)

Gene: ZNF462 (zinc finger protein 462; plus strand). Cytogenetic location: 9q31.2.
Variant type: single nucleotide variant.
Coding change: c.4797T>C on transcript NM_021224.6 (MANE Select); coding-DNA position 4797, T replaced by C.
Protein change: p.Tyr1599=; no amino-acid change (tyrosine 1599 retained).
Molecular consequence: synonymous variant. On other transcripts: intron variant (1).
Genome position (GRCh38, 1-based): chr9:106,928,709, T>C. VCF-style: chr9-106928709-T-C. GRCh37 (hg19) VCF-style: chr9-109690990-T-C.
Other names: c.3252+1545T>C (NM_001347997.2).
Identifiers: ClinVar variation 4821068 (VCV004821068.4).
Genomic context (GRCh38, chr9:106,928,709, plus strand): 5'-CAAACTGTGTCCGTACACACACGGCACTTTGGAGAAACTAAAAATCCACTACGAGAAGTA[T>C]CACAATCAGCCTGAATTTGATGTCTTTTCCCAGTCGCCCCCGAAGCTGCCAGTCCCCCTC-3'
Protein context (NP_067047.4, residues 1589-1609): LEKLKIHYEK[Tyr1599=]HNQPEFDVFS